The following is an entry in ClinVar:

NM_001164508.2(NEB):c.5031+4T>C

Gene: NEB (nebulin; minus strand). Cytogenetic location: 2q23.3.
Variant type: single nucleotide variant.
Coding change: c.5031+4T>C on transcript NM_001164508.2 (MANE Select); 4 bases into the intron after coding-DNA position 5031, T replaced by C.
Molecular consequence: intron variant.
Genome position (GRCh38, 1-based): chr2:151,666,086, A>G on the plus strand (T>C on the coding strand, the complement: NEB is on the minus strand). VCF-style: chr2-151666086-A-G. GRCh37 (hg19) VCF-style: chr2-152522600-A-G.
Other names: c.5031+4T>C (NM_004543.5, NM_001164507.2, NM_001271208.2).
Identifiers: ClinVar variation 465610 (VCV000465610.14), dbSNP rs370999716, ClinGen allele CA1910480.

ClinVar aggregate classification (germline): Likely benign. Review status: criteria provided, multiple submitters, no conflicts (2 of 4 stars). 3 submissions from 3 submitters: Likely benign (2). 1 of the submissions does not count toward it. Last evaluated 2026-01-20.

Conditions:
Nemaline myopathy 2 (NEM2). Also called: Nemaline myopathy 2, autosomal recessive. Identifiers: MedGen C1850569, MONDO:0009725, OMIM 256030.

Allele frequency attached by ClinVar (database versions not stated): gnomAD exomes 0.00012; ExAC 0.00013; ESP Exome Variant Server 0.00016; TOPMed 0.00034; gnomAD 0.00041.
gnomAD v4.1: 119 of 1,609,430 alleles (0.0074%); highest among the groups gnomAD compares: African/African-American, 0.09%; 1 homozygote.

Submissions (3):

Labcorp Genetics (formerly Invitae), Labcorp
Classification: Likely benign for Nemaline myopathy 2. Last evaluated: 2026-01-20. Review status: criteria provided, single submitter. Criteria: Invitae Variant Classification Sherloc (09022015). Collection method: clinical testing. Allele origin: germline.

Women's Health and Genetics/Laboratory Corporation of America, LabCorp
Classification: Likely benign. Last evaluated: 2024-04-10. Review status: criteria provided, single submitter. Criteria: LabCorp Variant Classification Summary - May 2015. Collection method: clinical testing. Allele origin: germline.
Comment: Variant summary: NEB c.5031+4T>C alters a non-conserved nucleotide located close to a canonical splice site and therefore could affect mRNA splicing, leading to a significantly altered protein sequence. Consensus agreement among computation tools predict no significant impact on normal splicing. However, these predictions have yet to be confirmed by functional studies. The variant allele was found at a frequency of 7.4e-05 in 1609430 control chromosomes in the gnomAD database, including 1 homozygotes. To our knowledge, no occurrence of c.5031+4T>C in individuals affected with Nemaline Myopathy 2 and no experimental evidence demonstrating its impact on protein function have been reported. ClinVar contains an entry for this variant (Variation ID: 465610). Based on the evidence outlined above, the variant was classified as likely benign.

Natera, Inc.
Classification: Likely benign for Nemaline myopathy type 2. Last evaluated: 2020-09-16. Review status: no assertion criteria provided. Collection method: clinical testing. Allele origin: germline. Not counted in ClinVar's aggregate classification.